The following is an entry in ClinVar:

NM_020928.2(ZSWIM6):c.1558G>A (p.Glu520Lys)

Gene: ZSWIM6 (zinc finger SWIM-type containing 6; plus strand). Cytogenetic location: 5q12.1.
Variant type: single nucleotide variant.
Coding change: c.1558G>A on transcript NM_020928.2 (MANE Select); coding-DNA position 1558, G replaced by A.
Protein change: p.Glu520Lys; replaces glutamic acid 520 with lysine.
Molecular consequence: missense variant.
Genome position (GRCh38, 1-based): chr5:61,525,844, G>A. VCF-style: chr5-61525844-G-A. GRCh37 (hg19) VCF-style: chr5-60821671-G-A.
Other names: short protein forms E520K.
Identifiers: ClinVar variation 2011049 (VCV002011049.4), dbSNP rs1749261017, ClinGen allele CA359943318.
Genomic context (GRCh38, chr5:61,525,844, plus strand): 5'-ATTGTGGAAAAAACAGATTCATCGAACAGGCCACATCGGACAGTGTTCACCCGAGCCATC[G>A]AGGCATGCGATCTCCACTGGCAGGATAGCCACTTGCAGCACATTATCAGCAGTGACCTAT-3'
Protein context (NP_065979.1, residues 510-530): PHRTVFTRAI[Glu520Lys]ACDLHWQDSH

ClinVar aggregate classification (germline): Uncertain significance (1 of 4 stars; one submission).

Allele frequency attached by ClinVar (database versions not stated): gnomAD exomes below 0.00001; TOPMed below 0.00001.
gnomAD v4.1: 1 of 1,551,864 alleles (0.000064%); highest among the groups gnomAD compares: Non-Finnish European, 0.000087%; no homozygotes.

Submission:

Labcorp Genetics (formerly Invitae), Labcorp
Classification: Uncertain significance. Last evaluated: 2024-03-22. Review status: criteria provided, single submitter. Criteria: Invitae Variant Classification Sherloc (09022015). Collection method: clinical testing. Allele origin: germline.
Comment: This sequence change replaces glutamic acid, which is acidic and polar, with lysine, which is basic and polar, at codon 520 of the ZSWIM6 protein (p.Glu520Lys). This variant is not present in population databases (gnomAD no frequency). This variant has not been reported in the literature in individuals affected with ZSWIM6-related conditions. ClinVar contains an entry for this variant (Variation ID: 2011049). An algorithm developed to predict the effect of missense changes on protein structure and function (PolyPhen-2) suggests that this variant is likely to be tolerated. In summary, the available evidence is currently insufficient to determine the role of this variant in disease. Therefore, it has been classified as a Variant of Uncertain Significance.